The following is an entry in ClinVar:

ClinVar aggregate classification (germline): Uncertain significance (1 of 4 stars; one submission).

gnomAD v4.1: 9 of 1,614,008 alleles (0.00056%); highest among the groups gnomAD compares: African/African-American, 0.008%; no homozygotes.

Submission:

Labcorp Genetics (formerly Invitae), Labcorp
Classification: Uncertain significance. Last evaluated: 2022-07-12. Review status: criteria provided, single submitter. Criteria: Invitae Variant Classification Sherloc (09022015). Collection method: clinical testing. Allele origin: germline.
Comment: This sequence change replaces asparagine, which is neutral and polar, with lysine, which is basic and polar, at codon 1404 of the MYO5B protein (p.Asn1404Lys). This variant is not present in population databases (gnomAD no frequency). This variant has not been reported in the literature in individuals affected with MYO5B-related conditions. ClinVar contains an entry for this variant (Variation ID: 1471667). Algorithms developed to predict the effect of missense changes on protein structure and function are either unavailable or do not agree on the potential impact of this missense change (SIFT: "Deleterious"; PolyPhen-2: "Benign"; Align-GVGD: "Class C0"). In summary, the available evidence is currently insufficient to determine the role of this variant in disease. Therefore, it has been classified as a Variant of Uncertain Significance.

NM_001080467.3(MYO5B):c.4212C>G (p.Asn1404Lys)

Gene: MYO5B (myosin VB; minus strand). Cytogenetic location: 18q21.1.
Variant type: single nucleotide variant.
Coding change: c.4212C>G on transcript NM_001080467.3 (MANE Select); coding-DNA position 4212, C replaced by G.
Protein change: p.Asn1404Lys; replaces asparagine 1404 with lysine.
Molecular consequence: missense variant.
Genome position (GRCh38, 1-based): chr18:49,853,458, G>C on the plus strand (C>G on the coding strand, the complement: MYO5B is on the minus strand). VCF-style: chr18-49853458-G-C. GRCh37 (hg19) VCF-style: chr18-47379828-G-C.
Other names: short protein forms N1404K.
Identifiers: ClinVar variation 1471667 (VCV001471667.3), dbSNP rs200110215, ClinGen allele CA402426534.